The following is an entry in ClinVar:

ClinVar aggregate classification (germline): Benign/Likely benign. Review status: criteria provided, multiple submitters, no conflicts (2 of 4 stars). 3 submissions from 3 submitters: Benign (2); Likely benign (1). Last evaluated 2026-01-14.

Conditions:
Infantile liver failure syndrome 1 (ILFS1). Identifiers: Orphanet 370088, MedGen C3809522, MONDO:0024568, OMIM 615438.

Allele frequency attached by ClinVar (database versions not stated): gnomAD 0.00003 and 0.00029; TOPMed 0.00005; gnomAD exomes 0.00057 and 0.00122; ExAC 0.00135; 1000 Genomes Project 30x 0.00172; 1000 Genomes Project 0.00180.
gnomAD v4.1: 862 of 1,556,730 alleles (0.055%); highest among the groups gnomAD compares: South Asian, 0.9%; 10 homozygotes.

Submissions (3):

Labcorp Genetics (formerly Invitae), Labcorp
Classification: Benign. Last evaluated: 2026-01-14. Review status: criteria provided, single submitter. Criteria: Invitae Variant Classification Sherloc (09022015). Collection method: clinical testing. Allele origin: germline.

Fulgent Genetics
Classification: Likely benign for Infantile liver failure syndrome 1. Last evaluated: 2021-08-12. Review status: criteria provided, single submitter. Criteria: ACMG Guidelines, 2015. Collection method: clinical testing. Allele origin: unknown.

GeneDx
Classification: Benign. Last evaluated: 2017-06-13. Review status: criteria provided, single submitter. Criteria: GeneDx Variant Classification (06012015). Collection method: clinical testing. Allele origin: germline. Affected: yes.
Comment: This variant is considered likely benign or benign based on one or more of the following criteria: it is a conservative change, it occurs at a poorly conserved position in the protein, it is predicted to be benign by multiple in silico algorithms, and/or has population frequency not consistent with disease.

NM_020117.11(LARS1):c.109T>G (p.Leu37Val)

Genes: LARS1 (leucyl-tRNA synthetase 1; minus strand), LOC129389388 (MPRA-validated peak5521 silencer; plus strand). Cytogenetic location: 5q32.
Variant type: single nucleotide variant.
Coding change: c.109T>G on transcript NM_020117.11 (MANE Select); coding-DNA position 109, T replaced by G.
Protein change: p.Leu37Val; replaces leucine 37 with valine.
Molecular consequence: missense variant. On other transcripts: intron variant (1).
Genome position (GRCh38, 1-based): chr5:146,177,563, A>C on the plus strand (T>G on the coding strand, the complement: LARS1 is on the minus strand). VCF-style: chr5-146177563-A-C. GRCh37 (hg19) VCF-style: chr5-145557126-A-C.
Other names: p.L37V:TTA>GTA; c.109T>G, p.Leu37Val (NM_001317964.2, NM_016460.4); c.-37-4789T>G (NM_001317965.2); short protein forms L37V.
Identifiers: ClinVar variation 214565 (VCV000214565.10), dbSNP rs576752929, ClinGen allele CA323726.